The following is an entry in ClinVar:

ClinVar aggregate classification (germline): Uncertain significance (1 of 4 stars; one submission).

Conditions:
Cardiovascular phenotype. Identifiers: MedGen CN230736.

Submission:

Ambry Genetics
Classification: Uncertain significance for Cardiovascular phenotype. Last evaluated: 2023-12-01. Review status: criteria provided, single submitter. Criteria: Ambry Variant Classification Scheme 2023. Collection method: clinical testing. Allele origin: germline.
Comment: The p.V3089I variant (also known as c.9265G>A), located in coding exon 26 of the APOB gene, results from a G to A substitution at nucleotide position 9265. The valine at codon 3089 is replaced by isoleucine, an amino acid with highly similar properties. This amino acid position is conserved. In addition, this alteration is predicted to be tolerated by in silico analysis. Since supporting evidence is limited at this time, the clinical significance of this alteration remains unclear.

NM_000384.3(APOB):c.9265G>A (p.Val3089Ile)

Gene: APOB (apolipoprotein B; minus strand). Cytogenetic location: 2p24.1.
Variant type: single nucleotide variant.
Coding change: c.9265G>A on transcript NM_000384.3 (MANE Select); coding-DNA position 9265, G replaced by A.
Protein change: p.Val3089Ile; replaces valine 3089 with isoleucine.
Molecular consequence: missense variant.
Genome position (GRCh38, 1-based): chr2:21,007,603, C>T on the plus strand (G>A on the coding strand, the complement: APOB is on the minus strand). VCF-style: chr2-21007603-C-T. GRCh37 (hg19) VCF-style: chr2-21230475-C-T.
Other names: short protein forms V3089I.
Identifiers: ClinVar variation 3231472 (VCV003231472.1), dbSNP rs1663181288, ClinGen allele CA345990688.